The following is an entry in ClinVar:

NM_002098.6(GUCA1B):c.583C>T (p.Arg195Trp)

Gene: GUCA1B (guanylate cyclase activator 1B; minus strand). Cytogenetic location: 6p21.1.
Variant type: single nucleotide variant.
Coding change: c.583C>T on transcript NM_002098.6 (MANE Select); coding-DNA position 583, C replaced by T.
Protein change: p.Arg195Trp; replaces arginine 195 with tryptophan.
Molecular consequence: missense variant.
Genome position (GRCh38, 1-based): chr6:42,184,835, G>A on the plus strand (C>T on the coding strand, the complement: GUCA1B is on the minus strand). VCF-style: chr6-42184835-G-A. GRCh37 (hg19) VCF-style: chr6-42152573-G-A.
Other names: short protein forms R195W.
Identifiers: ClinVar variation 839767 (VCV000839767.10), dbSNP rs200626867, ClinGen allele CA3805493.

ClinVar aggregate classification (germline): Uncertain significance (1 of 4 stars; one submission).

Allele frequency attached by ClinVar (database versions not stated): 1000 Genomes Project 30x 0.00031; TOPMed 0.00003; gnomAD exomes 0.00004 and 0.00007; ExAC 0.00005; gnomAD 0.00007 and 0.00008; 1000 Genomes Project 0.00020.
gnomAD v4.1: 114 of 1,614,100 alleles (0.0071%); highest among the groups gnomAD compares: African/African-American, 0.012%; no homozygotes.

Submission:

Labcorp Genetics (formerly Invitae), Labcorp
Classification: Uncertain significance. Last evaluated: 2024-03-01. Review status: criteria provided, single submitter. Criteria: Invitae Variant Classification Sherloc (09022015). Collection method: clinical testing. Allele origin: germline.
Comment: This sequence change replaces arginine, which is basic and polar, with tryptophan, which is neutral and slightly polar, at codon 195 of the GUCA1B protein (p.Arg195Trp). This variant is present in population databases (rs200626867, gnomAD 0.007%). This variant has not been reported in the literature in individuals affected with GUCA1B-related conditions. ClinVar contains an entry for this variant (Variation ID: 839767). An algorithm developed to predict the effect of missense changes on protein structure and function (PolyPhen-2) suggests that this variant is likely to be disruptive. In summary, the available evidence is currently insufficient to determine the role of this variant in disease. Therefore, it has been classified as a Variant of Uncertain Significance.